The following is an entry in ClinVar:

ClinVar aggregate classification (germline): Uncertain significance (1 of 4 stars; one submission).

Conditions:
Developmental and epileptic encephalopathy, 42 (DEE42A). Also called: Epileptic encephalopathy, early infantile, 42; DEVELOPMENTAL AND EPILEPTIC ENCEPHALOPATHY 42A; EPILEPTIC ENCEPHALOPATHY, EARLY INFANTILE, 42A. Identifiers: MedGen C4310716, MONDO:0014917, OMIM 617106.
Episodic ataxia type 2 (EA2). Also called: ATAXIA, EPISODIC, WITH NYSTAGMUS; ATAXIA, FAMILIAL PAROXYSMAL; CEREBELLAR ATAXIA, PAROXYSMAL, ACETAZOLAMIDE-RESPONSIVE; CEREBELLOPATHY, HEREDITARY PAROXYSMAL; EPISODIC ATAXIA, NYSTAGMUS-ASSOCIATED; ACETAZOLAMIDE-RESPONSIVE HEREDITARY PAROXYSMAL CEREBELLAR ATAXIA. Identifiers: Orphanet 97, MedGen C1720416, MONDO:0007163, OMIM 108500.

gnomAD v4.1: 3 of 1,604,902 alleles (0.00019%); highest among the groups gnomAD compares: South Asian, 0.0011%; no homozygotes.

Submission:

Labcorp Genetics (formerly Invitae), Labcorp
Classification: Uncertain significance for Developmental and epileptic encephalopathy, 42; Episodic ataxia type 2. Last evaluated: 2021-12-02. Review status: criteria provided, single submitter. Criteria: Invitae Variant Classification Sherloc (09022015). Collection method: clinical testing. Allele origin: germline.
Comment: In summary, the available evidence is currently insufficient to determine the role of this variant in disease. Therefore, it has been classified as a Variant of Uncertain Significance. Advanced modeling of protein sequence and biophysical properties (such as structural, functional, and spatial information, amino acid conservation, physicochemical variation, residue mobility, and thermodynamic stability) performed at Invitae indicates that this missense variant is not expected to disrupt CACNA1A protein function. This variant has not been reported in the literature in individuals affected with CACNA1A-related conditions. This variant is not present in population databases (gnomAD no frequency). This sequence change replaces asparagine, which is neutral and polar, with lysine, which is basic and polar, at codon 786 of the CACNA1A protein (p.Asn786Lys).

NM_001127222.2(CACNA1A):c.2355C>G (p.Asn785Lys)

Gene: CACNA1A (calcium voltage-gated channel subunit alpha1 A; minus strand). Cytogenetic location: 19p13.13.
Variant type: single nucleotide variant.
Coding change: c.2355C>G on transcript NM_001127222.2 (MANE Select); coding-DNA position 2355, C replaced by G.
Protein change: p.Asn785Lys; replaces asparagine 785 with lysine.
Molecular consequence: missense variant.
Genome position (GRCh38, 1-based): chr19:13,299,278, G>C on the plus strand (C>G on the coding strand, the complement: CACNA1A is on the minus strand). VCF-style: chr19-13299278-G-C. GRCh37 (hg19) VCF-style: chr19-13410092-G-C.
Other names: c.2367C>G, p.Asn789Lys (NM_000068.4, NM_023035.3); c.2358C>G, p.Asn786Lys (NM_001127221.2, NM_001174080.2); short protein forms N786K, N785K, N789K.
Identifiers: ClinVar variation 1523473 (VCV001523473.8), dbSNP rs2144958094, ClinGen allele CA404343631.
Genomic context (GRCh38, chr19:13,299,278, plus strand): 5'-AGCCTTCCAGCGCTCGTCCGGGTCCATTTCGTTATACAGGGCCTCCCGGCTGGCCAGCAA[G>C]TTCTGCTTTCGCATCTCACTGGTCCGCTGCTCCCACACGGACTTGGCTGGCTTTTGATTC-3'
Protein context (NP_001120694.1, residues 775-795): EQRTSEMRKQ[Asn785Lys]LLASREALYN